The following is an entry in ClinVar:

ClinVar aggregate classification (germline): Uncertain significance (1 of 4 stars; one submission).

Conditions:
Intellectual disability, autosomal recessive 53 (NEDHSCA). Also called: GLYCOSYLPHOSPHATIDYLINOSITOL BIOSYNTHESIS DEFECT 13; Mental retardation, autosomal recessive 53; NEURODEVELOPMENTAL DISORDER WITH OR WITHOUT HYPOTONIA, SEIZURES, AND CEREBELLAR ATROPHY. Identifiers: Orphanet 488635, MedGen C4310794, MONDO:0014832, OMIM 616917.

Allele frequency attached by ClinVar (database versions not stated): gnomAD exomes below 0.00001; gnomAD 0.00001; TOPMed 0.00001.
gnomAD v4.1: 3 of 1,613,556 alleles (0.00019%); highest among the groups gnomAD compares: African/African-American, 0.0027%; no homozygotes.

Submission:

Labcorp Genetics (formerly Invitae), Labcorp
Classification: Uncertain significance for Intellectual disability, autosomal recessive 53. Last evaluated: 2022-02-22. Review status: criteria provided, single submitter. Criteria: Invitae Variant Classification Sherloc (09022015). Collection method: clinical testing. Allele origin: germline.
Comment: In summary, the available evidence is currently insufficient to determine the role of this variant in disease. Therefore, it has been classified as a Variant of Uncertain Significance. Algorithms developed to predict the effect of missense changes on protein structure and function output the following: SIFT: "Tolerated"; PolyPhen-2: "Benign"; Align-GVGD: "Class C0". The threonine amino acid residue is found in multiple mammalian species, which suggests that this missense change does not adversely affect protein function. This variant has not been reported in the literature in individuals affected with PIGG-related conditions. This variant is not present in population databases (gnomAD no frequency). This sequence change replaces alanine, which is neutral and non-polar, with threonine, which is neutral and polar, at codon 967 of the PIGG protein (p.Ala967Thr).

NM_001127178.3(PIGG):c.2899G>A (p.Ala967Thr)

Gene: PIGG (phosphatidylinositol glycan anchor biosynthesis class G (EMM blood group); plus strand). Cytogenetic location: 4p16.3.
Variant type: single nucleotide variant.
Coding change: c.2899G>A on transcript NM_001127178.3 (MANE Select); coding-DNA position 2899, G replaced by A.
Protein change: p.Ala967Thr; replaces alanine 967 with threonine.
Molecular consequence: missense variant. On other transcripts: non-coding transcript variant (10).
Genome position (GRCh38, 1-based): chr4:539,316, G>A. VCF-style: chr4-539316-G-A. GRCh37 (hg19) VCF-style: chr4-533105-G-A.
Other names: c.2632G>A, p.Ala878Thr (NM_001289051.2, NM_001345986.2); c.2500G>A, p.Ala834Thr (NM_001289052.2); c.2608G>A, p.Ala870Thr (NM_001345987.2); c.1870G>A, p.Ala624Thr (NM_001345988.2); c.1366G>A, p.Ala456Thr (NM_001345990.2, NM_001345991.2); c.1801G>A, p.Ala601Thr (NM_001345994.2); c.2875G>A, p.Ala959Thr (NM_017733.5); short protein forms A959T, A456T, A601T, A870T, A967T, A624T, A834T, A878T.
Identifiers: ClinVar variation 2193102 (VCV002193102.4), dbSNP rs1167530420, ClinGen allele CA355914845.